The following is an entry in ClinVar:

NM_013275.6(ANKRD11):c.6623C>G (p.Ser2208Ter)

Gene: ANKRD11 (ankyrin repeat domain 11; minus strand). Cytogenetic location: 16q24.3.
Variant type: single nucleotide variant.
Coding change: c.6623C>G on transcript NM_013275.6 (MANE Select); coding-DNA position 6623, C replaced by G.
Protein change: p.Ser2208Ter; replaces serine 2208 with a stop codon.
Molecular consequence: nonsense.
Genome position (GRCh38, 1-based): chr16:89,279,919, G>C on the plus strand (C>G on the coding strand, the complement: ANKRD11 is on the minus strand). VCF-style: chr16-89279919-G-C. GRCh37 (hg19) VCF-style: chr16-89346327-G-C.
Other names: c.6623C>G, p.Ser2208Ter (NM_001256182.2, NM_001256183.2); short protein forms S2208*.
Identifiers: ClinVar variation 4855524 (VCV004855524.1).

ClinVar aggregate classification (germline): Likely pathogenic (1 of 4 stars; one submission).

Conditions:
KBG syndrome (KBGS). Also called: ANKRD11-Related KBG Syndrome. Identifiers: Orphanet 2332, MedGen C0220687, MONDO:0007846, OMIM 148050.

Submission:

3billion
Classification: Likely pathogenic for KBG syndrome. Last evaluated: 2025-08-20. Review status: criteria provided, single submitter. Criteria: ACMG Guidelines, 2015. Collection method: clinical testing. Allele origin: germline. Affected: yes.
Comment: The variant is not observed in the gnomAD v4.1.0 dataset. Predicted Consequence/Location: Stop-gained (nonsense): predicted to result in a loss or disruption of normal protein function through nonsense-mediated decay (NMD) or protein truncation. Multiple pathogenic variants are reported downstream of the variant. Therefore, this variant is classified as Likely pathogenic according to the recommendation of ACMG/AMP guideline.